The following is an entry in ClinVar:

NM_000474.4(TWIST1):c.135C>A (p.Ser45Arg)

Gene: TWIST1 (twist family bHLH transcription factor 1; minus strand). Cytogenetic location: 7p21.1.
Variant type: single nucleotide variant.
Coding change: c.135C>A on transcript NM_000474.4 (MANE Select); coding-DNA position 135, C replaced by A.
Protein change: p.Ser45Arg; replaces serine 45 with arginine.
Molecular consequence: missense variant. On other transcripts: non-coding transcript variant (1).
Genome position (GRCh38, 1-based): chr7:19,117,187, G>T on the plus strand (C>A on the coding strand, the complement: TWIST1 is on the minus strand). VCF-style: chr7-19117187-G-T. GRCh37 (hg19) VCF-style: chr7-19156810-G-T.
Other names: short protein forms S45R.
Identifiers: ClinVar variation 4788822 (VCV004788822.1).

ClinVar aggregate classification (germline): Uncertain significance (1 of 4 stars; one submission).

Conditions:
Saethre-Chotzen syndrome (SCS). Also called: ACROCEPHALY, SKULL ASYMMETRY, AND MILD SYNDACTYLY; ACS III; CHOTZEN SYNDROME. Identifiers: Orphanet 794, MedGen C0175699, MONDO:0007042, OMIM 101400.
TWIST1-related craniosynostosis (CRS1). Also called: CRANIOSYNOSTOSIS 1. Identifiers: Orphanet 63440, MedGen C4551902, MONDO:0007399, OMIM 123100. Inheritance: Heterogenous inheritance pattern.

gnomAD v4.1: 26 of 1,187,766 alleles (0.0022%); highest among the groups gnomAD compares: Admixed American, 0.12%; no homozygotes.

Submission:

Labcorp Genetics (formerly Invitae), Labcorp
Classification: Uncertain significance for TWIST1-related craniosynostosis; Saethre-Chotzen syndrome. Last evaluated: 2025-06-10. Review status: criteria provided, single submitter. Criteria: Invitae Variant Classification Sherloc (09022015). Collection method: clinical testing. Allele origin: germline.
Comment: This sequence change replaces serine, which is neutral and polar, with arginine, which is basic and polar, at codon 45 of the TWIST1 protein (p.Ser45Arg). This variant is present in population databases (no rsID available, gnomAD 0.2%). This variant has not been reported in the literature in individuals affected with TWIST1-related conditions. Experimental studies and prediction algorithms are not available or were not evaluated, and the functional significance of this variant is currently unknown. In summary, the available evidence is currently insufficient to determine the role of this variant in disease. Therefore, it has been classified as a Variant of Uncertain Significance.